The following is an entry in ClinVar:

NM_003737.4(DCHS1):c.1545C>T (p.Gly515=)

Gene: DCHS1 (dachsous cadherin-related 1; minus strand). Cytogenetic location: 11p15.4.
Variant type: single nucleotide variant.
Coding change: c.1545C>T on transcript NM_003737.4 (MANE Select); coding-DNA position 1545, C replaced by T.
Protein change: p.Gly515=; no amino-acid change (glycine 515 retained).
Molecular consequence: synonymous variant.
Genome position (GRCh38, 1-based): chr11:6,640,069, G>A on the plus strand (C>T on the coding strand, the complement: DCHS1 is on the minus strand). VCF-style: chr11-6640069-G-A. GRCh37 (hg19) VCF-style: chr11-6661300-G-A.
Identifiers: ClinVar variation 724761 (VCV000724761.22), dbSNP rs147784593, ClinGen allele CA5860944.

ClinVar aggregate classification (germline): Benign/Likely benign. Review status: criteria provided, multiple submitters, no conflicts (2 of 4 stars). 6 submissions from 6 submitters: Benign (3); Likely benign (2). 1 of the submissions does not count toward it. Last evaluated 2026-08-01.

Conditions:
DCHS1-related disorder. Also called: DCHS1-related condition.

Allele frequency attached by ClinVar (database versions not stated): gnomAD exomes 0.00042 and 0.00086; ExAC 0.00084; ESP Exome Variant Server 0.00215; gnomAD 0.00255 and 0.00267; TOPMed 0.00315; 1000 Genomes Project 0.00339; 1000 Genomes Project 30x 0.00390.
gnomAD v4.1: 1,037 of 1,613,926 alleles (0.064%); highest among the groups gnomAD compares: African/African-American, 0.91%; 4 homozygotes.

Submissions (6):

CeGaT Center for Human Genetics Tuebingen
Classification: Likely benign. Last evaluated: 2026-08-01. Review status: criteria provided, single submitter. Criteria: CeGaT Center For Human Genetics Tuebingen Variant Classification Criteria Version 2. Collection method: clinical testing. Allele origin: germline. Affected: yes. Observed: 5 variant alleles.
Comment: DCHS1: BP4, BP7

Labcorp Genetics (formerly Invitae), Labcorp
Classification: Benign. Last evaluated: 2026-01-30. Review status: criteria provided, single submitter. Criteria: Invitae Variant Classification Sherloc (09022015). Collection method: clinical testing. Allele origin: germline.

Blueprint Genetics
Classification: Likely benign. Last evaluated: 2024-11-01. Review status: criteria provided, single submitter. Criteria: ACMG Guidelines, 2015. Collection method: clinical testing. Allele origin: germline.

GeneDx
Classification: Benign. Last evaluated: 2019-08-01. Review status: criteria provided, single submitter. Criteria: GeneDx Variant Classification Process June 2021. Collection method: clinical testing. Allele origin: germline. Affected: yes.

Breakthrough Genomics
Classification: Benign. Review status: criteria provided, single submitter. Criteria: ACMG Guidelines, 2015. Collection method: not provided. Allele origin: germline. Inheritance: Autosomal recessive inheritance. Affected: yes.

PreventionGenetics, part of Exact Sciences
Classification: Likely benign for DCHS1-related condition. Last evaluated: 2019-12-09. Review status: no assertion criteria provided. Collection method: clinical testing. Allele origin: germline. Not counted in ClinVar's aggregate classification.
Comment: This variant is classified as likely benign based on ACMG/AMP sequence variant interpretation guidelines (Richards et al. 2015 PMID: 25741868, with internal and published modifications).